The following is an entry in ClinVar:

NM_138711.6(PPARG):c.-8-28133C>T

Gene: PPARG (peroxisome proliferator activated receptor gamma; plus strand). Cytogenetic location: 3p25.2.
Variant type: single nucleotide variant.
Coding change: c.-8-28133C>T on transcript NM_138711.6 (MANE Select); 28133 bases into the intron before 8 bases upstream of the start codon, C replaced by T.
Molecular consequence: intron variant. On other transcripts: 5 prime UTR variant (3).
Genome position (GRCh38, 1-based): chr3:12,351,571, C>T. VCF-style: chr3-12351571-C-T. GRCh37 (hg19) VCF-style: chr3-12393070-C-T.
Other names: c.-22C>T (NM_001354668.2, NM_001374265.1, NM_015869.5); c.-8-28133C>T (NM_001354666.3, NM_138712.5, NM_005037.7 and 5 more transcripts); c.-435-28133C>T (NM_001354669.2); c.-9+6677C>T (NM_001374262.3); c.-2-28133C>T (NM_001374266.1, NM_001354670.2).
Identifiers: ClinVar variation 342919 (VCV000342919.5), dbSNP rs200479885, ClinGen allele CA2258012.

ClinVar aggregate classification (germline): Benign/Likely benign. Review status: criteria provided, single submitter (1 of 4 stars). 3 submissions from 1 submitter: Benign (1); Likely benign (2). Last evaluated 2018-01-13.

Conditions:
Obesity. Also called: Obesity disorder. Identifiers: Orphanet 71529, MedGen C0028754, MeSH D009765, MONDO:0011122, HP:0001513.
INSULIN RESISTANCE, DIGENIC. Identifiers: MedGen C4016738.
PPARG-related familial partial lipodystrophy. Also called: LIPODYSTROPHY, FAMILIAL PARTIAL, ASSOCIATED WITH PPARG MUTATIONS. Identifiers: Orphanet 79083, MedGen C1720861, MONDO:0011448, OMIM 604367.

Allele frequency attached by ClinVar (database versions not stated): gnomAD 0.00001 and 0.00015; gnomAD exomes 0.00075 and 0.00036; ExAC 0.00077; TOPMed 0.00002; 1000 Genomes Project 30x 0.00078; 1000 Genomes Project 0.00080.
gnomAD v4.1: 543 of 1,556,594 alleles (0.035%); highest among the groups gnomAD compares: South Asian, 0.56%; 5 homozygotes.

Submissions (3):

Illumina Laboratory Services, Illumina
Classification: Likely benign for Diabetes Mellitus, Noninsulin-Dependent, with Acanthosis Nigricans and Hypertension. Last evaluated: 2018-01-13. Review status: criteria provided, single submitter. Criteria: ICSL Variant Classification Criteria 13 December 2019. Collection method: clinical testing. Allele origin: germline.
Comment: This variant was observed in the ICSL laboratory as part of a predisposition screen in an ostensibly healthy population. It had not been previously curated by ICSL or reported in the Human Gene Mutation Database (HGMD: prior to June 1st, 2018), and was therefore a candidate for classification through an automated scoring system. Utilizing variant allele frequency, disease prevalence and penetrance estimates, and inheritance mode, an automated score was calculated to assess if this variant is too frequent to cause the disease. Based on the score and internal cut-off values, a variant classified as likely benign is not then subjected to further curation. The score for this variant resulted in a classification of likely benign for this disease.

Illumina Laboratory Services, Illumina
Classification: Benign for PPARG-related familial partial lipodystrophy. Last evaluated: 2018-01-13. Review status: criteria provided, single submitter. Criteria: ICSL Variant Classification Criteria 13 December 2019. Collection method: clinical testing. Allele origin: germline.
Comment: This variant was observed in the ICSL laboratory as part of a predisposition screen in an ostensibly healthy population. It had not been previously curated by ICSL or reported in the Human Gene Mutation Database (HGMD: prior to June 1st, 2018), and was therefore a candidate for classification through an automated scoring system. Utilizing variant allele frequency, disease prevalence and penetrance estimates, and inheritance mode, an automated score was calculated to assess if this variant is too frequent to cause the disease. Based on the score and internal cut-off values, a variant classified as benign is not then subjected to further curation. The score for this variant resulted in a classification of benign for this disease.

Illumina Laboratory Services, Illumina
Classification: Likely benign for Inherited obesity. Last evaluated: 2018-01-13. Review status: criteria provided, single submitter. Criteria: ICSL Variant Classification Criteria 13 December 2019. Collection method: clinical testing. Allele origin: germline.
Comment: the same text as in the submission from Illumina Laboratory Services, Illumina above.